The following is an entry in ClinVar:

NM_182961.4(SYNE1):c.8015T>C (p.Leu2672Pro)

Gene: SYNE1 (spectrin repeat containing nuclear envelope protein 1; minus strand). Cytogenetic location: 6q25.2.
Variant type: single nucleotide variant.
Coding change: c.8015T>C on transcript NM_182961.4 (MANE Select); coding-DNA position 8015, T replaced by C.
Protein change: p.Leu2672Pro; replaces leucine 2672 with proline.
Molecular consequence: missense variant.
Genome position (GRCh38, 1-based): chr6:152,390,442, A>G on the plus strand (T>C on the coding strand, the complement: SYNE1 is on the minus strand). VCF-style: chr6-152390442-A-G. GRCh37 (hg19) VCF-style: chr6-152711577-A-G.
Other names: c.8036T>C, p.Leu2679Pro (NM_033071.5); short protein forms L2672P, L2679P.
Identifiers: ClinVar variation 448613 (VCV000448613.25), dbSNP rs147870520, ClinGen allele CA4057632.

ClinVar aggregate classification (germline): Conflicting classifications of pathogenicity. Review status: criteria provided, conflicting classifications (1 of 4 stars). 6 submissions from 6 submitters: Uncertain significance (4); Likely benign (2). Last evaluated 2025-10-08.

Conditions:
Inborn genetic diseases. Identifiers: MedGen C0950123, MeSH D030342.
Autosomal recessive ataxia, Beauce type. Also called: SYNE1-Related Autosomal Recessive Cerebellar Ataxia; SYNE1 Deficiency; Spinocerebellar ataxia, autosomal recessive 8; ATAXIA, RECESSIVE, OF BEAUCE. Identifiers: Orphanet 88644, MedGen C1853116, MONDO:0012549, OMIM 610743.
Emery-Dreifuss muscular dystrophy 4, autosomal dominant (EDMD4). Also called: EMERY-DREIFUSS MUSCULAR DYSTROPHY 4 WITH VARIABLE FEATURES. Identifiers: Orphanet 261, MedGen C2751807, MONDO:0013071, OMIM 612998.

Allele frequency attached by ClinVar (database versions not stated): gnomAD exomes 0.00006 and 0.00017; ExAC 0.00024; gnomAD 0.00068 and 0.00080; TOPMed 0.00086; ESP Exome Variant Server 0.00108.
gnomAD v4.1: 194 of 1,613,874 alleles (0.012%); highest among the groups gnomAD compares: African/African-American, 0.23%; no homozygotes.

Submissions (6):

Labcorp Genetics (formerly Invitae), Labcorp
Classification: Likely benign for Emery-Dreifuss muscular dystrophy 4, autosomal dominant; Autosomal recessive ataxia, Beauce type. Last evaluated: 2025-10-08. Review status: criteria provided, single submitter. Criteria: Invitae Variant Classification Sherloc (09022015). Collection method: clinical testing. Allele origin: germline.

GeneDx
Classification: Uncertain significance. Last evaluated: 2024-09-07. Review status: criteria provided, single submitter. Criteria: GeneDx Variant Classification Process June 2021. Collection method: clinical testing. Allele origin: germline. Affected: yes.
Comment: In silico analysis supports that this missense variant has a deleterious effect on protein structure/function; Has not been previously published as pathogenic or benign to our knowledge

Blueprint Genetics
Classification: Uncertain significance. Last evaluated: 2023-08-17. Review status: criteria provided, single submitter. Criteria: ACMG Guidelines, 2015. Collection method: clinical testing. Allele origin: germline.

Ambry Genetics
Classification: Uncertain significance for Inborn genetic diseases. Last evaluated: 2021-08-17. Review status: criteria provided, single submitter. Criteria: Ambry Variant Classification Scheme 2023. Collection method: clinical testing. Allele origin: germline.

Athena Diagnostics
Classification: Likely benign. Last evaluated: 2020-05-07. Review status: criteria provided, single submitter. Criteria: Athena Diagnostics Criteria. Collection method: clinical testing. Allele origin: unknown.

Eurofins Ntd Llc (ga)
Classification: Uncertain significance. Last evaluated: 2017-12-14. Review status: criteria provided, single submitter. Criteria: EGL Classification Definitions 2015. Collection method: clinical testing. Allele origin: germline. Observed: 1 variant allele, 1 heterozygote.